The following is an entry in ClinVar:

NM_020884.7(MYH7B):c.2307+5G>A

Gene: MYH7B (myosin heavy chain 7B; plus strand). Cytogenetic location: 20q11.22.
Variant type: single nucleotide variant.
Coding change: c.2307+5G>A on transcript NM_020884.7 (MANE Select); 5 bases into the intron after coding-DNA position 2307, G replaced by A.
Molecular consequence: intron variant.
Genome position (GRCh38, 1-based): chr20:34,993,230, G>A. VCF-style: chr20-34993230-G-A. GRCh37 (hg19) VCF-style: chr20-33581033-G-A.
Identifiers: ClinVar variation 1919721 (VCV001919721.5), dbSNP rs370871561, ClinGen allele CA9827312.

ClinVar aggregate classification (germline): Uncertain significance (1 of 4 stars; one submission).

Allele frequency attached by ClinVar (database versions not stated): TOPMed below 0.00001; ExAC 0.00001; gnomAD 0.00001; gnomAD exomes 0.00005; ESP Exome Variant Server 0.00008.
gnomAD v4.1: 72 of 1,613,820 alleles (0.0045%); highest among the groups gnomAD compares: Non-Finnish European, 0.0061%; no homozygotes.

Submission:

Labcorp Genetics (formerly Invitae), Labcorp
Classification: Uncertain significance. Last evaluated: 2021-12-09. Review status: criteria provided, single submitter. Criteria: Invitae Variant Classification Sherloc (09022015). Collection method: clinical testing. Allele origin: germline.
Comment: In summary, the available evidence is currently insufficient to determine the role of this variant in disease. Therefore, it has been classified as a Variant of Uncertain Significance. Variants that disrupt the consensus splice site are a relatively common cause of aberrant splicing (PMID: 17576681, 9536098). Algorithms developed to predict the effect of sequence changes on RNA splicing suggest that this variant may disrupt the consensus splice site. This variant has not been reported in the literature in individuals affected with MYH7B-related conditions. This variant is present in population databases (rs370871561, gnomAD 0.0009%). This sequence change falls in intron 25 of the MYH7B gene. It does not directly change the encoded amino acid sequence of the MYH7B protein. It affects a nucleotide within the consensus splice site.

Literature cited by the submitters: PubMed 17576681; PubMed 9536098.